The following is an entry in ClinVar:

ClinVar aggregate classification (germline): Conflicting classifications of pathogenicity. Review status: criteria provided, conflicting classifications (1 of 4 stars). 2 submissions from 2 submitters: Uncertain significance (1); Benign (1). Last evaluated 2025-06-14.

Conditions:
Rubinstein-Taybi syndrome (RSTS). Identifiers: Orphanet 783, MedGen C0035934, MONDO:0019188.

Allele frequency attached by ClinVar (database versions not stated): gnomAD 0.00001; gnomAD exomes 0.00001; TOPMed 0.00001; ExAC 0.00002.
gnomAD v4.1: 11 of 1,613,796 alleles (0.00068%); highest among the groups gnomAD compares: South Asian, 0.0055%; no homozygotes.

Submissions (2):

Labcorp Genetics (formerly Invitae), Labcorp
Classification: Benign for Rubinstein-Taybi syndrome. Last evaluated: 2025-06-14. Review status: criteria provided, single submitter. Criteria: Invitae Variant Classification Sherloc (09022015). Collection method: clinical testing. Allele origin: germline.

GeneDx
Classification: Uncertain significance. Last evaluated: 2024-11-07. Review status: criteria provided, single submitter. Criteria: GeneDx Variant Classification Process June 2021. Collection method: clinical testing. Allele origin: germline. Affected: yes.
Comment: In silico analysis supports that this missense variant has a deleterious effect on protein structure/function; Has not been previously published as pathogenic or benign to our knowledge

NM_004380.3(CREBBP):c.2585C>T (p.Thr862Met)

Gene: CREBBP (CREB binding lysine acetyltransferase; minus strand). Cytogenetic location: 16p13.3.
Variant type: single nucleotide variant.
Coding change: c.2585C>T on transcript NM_004380.3 (MANE Select); coding-DNA position 2585, C replaced by T.
Protein change: p.Thr862Met; replaces threonine 862 with methionine.
Molecular consequence: missense variant.
Genome position (GRCh38, 1-based): chr16:3,770,865, G>A on the plus strand (C>T on the coding strand, the complement: CREBBP is on the minus strand). VCF-style: chr16-3770865-G-A. GRCh37 (hg19) VCF-style: chr16-3820866-G-A.
Other names: c.2471C>T, p.Thr824Met (NM_001079846.1); c.2585C>T (NM_004380.2); short protein forms T824M, T862M.
Identifiers: ClinVar variation 2417003 (VCV002417003.7), dbSNP rs772653113, ClinGen allele CA7870071.
Genomic context (GRCh38, chr16:3,770,865, plus strand): 5'-GGCTGGGGAGGAGTCATCCCAGGTGGTGTCGTGTGCTGGAGAGATGGCATGCCAGCAGCC[G>A]TGGAAGCAGGAGGCGGTGTTGGGTGCAGTGGTGACTGTGTCACTGGAGGGCAAGGTAGCT-3'
Protein context (NP_004371.2, residues 852-872): PLHPTPPPAS[Thr862Met]AAGMPSLQHT